The following is an entry in ClinVar:

ClinVar aggregate classification (germline): Uncertain significance (1 of 4 stars; one submission).

Conditions:
Developmental and epileptic encephalopathy, 42 (DEE42A). Also called: Epileptic encephalopathy, early infantile, 42; DEVELOPMENTAL AND EPILEPTIC ENCEPHALOPATHY 42A; EPILEPTIC ENCEPHALOPATHY, EARLY INFANTILE, 42A. Identifiers: MedGen C4310716, MONDO:0014917, OMIM 617106.

Submission:

Mendelics
Classification: Uncertain significance for Developmental and epileptic encephalopathy, 42. Last evaluated: 2026-03-05. Review status: criteria provided, single submitter. Criteria: ACMG Guidelines, 2015. Collection method: clinical testing. Allele origin: unknown.
Comment: The available evidence is insufficient to conclusively determine the role of this variant. Therefore, it is classified as a Variant of Uncertain Significance.

NM_000719.7(CACNA1C):c.1963C>T (p.Leu655Phe)

Gene: CACNA1C (calcium voltage-gated channel subunit alpha1 C; plus strand). Cytogenetic location: 12p13.33.
Variant type: single nucleotide variant.
Coding change: c.1963C>T on transcript NM_000719.7 (MANE Select); coding-DNA position 1963, C replaced by T.
Protein change: p.Leu655Phe; replaces leucine 655 with phenylalanine.
Molecular consequence: missense variant.
Genome position (GRCh38, 1-based): chr12:2,581,657, C>T. VCF-style: chr12-2581657-C-T. GRCh37 (hg19) VCF-style: chr12-2690823-C-T.
Other names: c.1963C>T, p.Leu655Phe (NM_001129827.2, NM_001129829.2, NM_001129830.3 and 18 more transcripts); c.1954C>T, p.Leu652Phe (NM_001129844.2); short protein forms L652F, L655F.
Identifiers: ClinVar variation 4813597 (VCV004813597.1).